The following is an entry in ClinVar:

NM_000214.3(JAG1):c.2135C>A (p.Ala712Asp)

Gene: JAG1 (jagged canonical Notch ligand 1; minus strand). Cytogenetic location: 20p12.2.
Variant type: single nucleotide variant.
Coding change: c.2135C>A on transcript NM_000214.3 (MANE Select); coding-DNA position 2135, C replaced by A.
Protein change: p.Ala712Asp; replaces alanine 712 with aspartic acid.
Molecular consequence: missense variant.
Genome position (GRCh38, 1-based): chr20:10,645,235, G>T on the plus strand (C>A on the coding strand, the complement: JAG1 is on the minus strand). VCF-style: chr20-10645235-G-T. GRCh37 (hg19) VCF-style: chr20-10625883-G-T.
Other names: short protein forms A712D.
Identifiers: ClinVar variation 4089137 (VCV004089137.1).

ClinVar aggregate classification (germline): Uncertain significance (1 of 4 stars; one submission).

Conditions:
Cardiovascular phenotype. Identifiers: MedGen CN230736.

Submission:

Ambry Genetics
Classification: Uncertain significance for Cardiovascular phenotype. Last evaluated: 2025-08-12. Review status: criteria provided, single submitter. Criteria: Ambry Variant Classification Scheme 2023. Collection method: clinical testing. Allele origin: germline.
Comment: The p.A712D variant (also known as c.2135C>A), located in coding exon 17 of the JAG1 gene, results from a C to A substitution at nucleotide position 2135. The alanine at codon 712 is replaced by aspartic acid, an amino acid with dissimilar properties. This amino acid position is conserved. In addition, this alteration is predicted to be deleterious by in silico analysis. Based on the available evidence, the clinical significance of this variant remains unclear.